The following is an entry in ClinVar:

NM_001283009.2(RTEL1):c.3145G>A (p.Val1049Met)

Genes: RTEL1 (regulator of telomere elongation helicase 1; plus strand), RTEL1-TNFRSF6B (RTEL1-TNFRSF6B readthrough (NMD candidate); plus strand). Cytogenetic location: 20q13.33.
Variant type: single nucleotide variant.
Coding change: c.3145G>A on transcript NM_001283009.2 (MANE Select); coding-DNA position 3145, G replaced by A.
Protein change: p.Val1049Met; replaces valine 1049 with methionine.
Molecular consequence: missense variant. On other transcripts: non-coding transcript variant (1).
Genome position (GRCh38, 1-based): chr20:63,694,776, G>A. VCF-style: chr20-63694776-G-A. GRCh37 (hg19) VCF-style: chr20-62326129-G-A.
Other names: c.2476G>A, p.Val826Met (NM_001283010.1); c.3145G>A, p.Val1049Met (NM_016434.4); c.3217G>A, p.Val1073Met (NM_032957.5); short protein forms V1049M, V1073M, V826M.
Identifiers: ClinVar variation 5028536 (VCV005028536.1).

ClinVar aggregate classification (germline): Uncertain significance (1 of 4 stars; one submission).

Conditions:
Inborn genetic diseases. Identifiers: MedGen C0950123, MeSH D030342.

gnomAD v4.1: 1 of 1,611,230 alleles (0.000062%); highest among the groups gnomAD compares: Non-Finnish European, 0.000085%; no homozygotes.

Submission:

Ambry Genetics
Classification: Uncertain significance for Inborn genetic diseases. Last evaluated: 2026-09-06. Review status: criteria provided, single submitter. Criteria: Ambry Variant Classification Scheme 2023. Collection method: clinical testing. Allele origin: germline.
Comment: The p.V1049M variant (also known as c.3145G>A), located in coding exon 31 of the RTEL1 gene, results from a G to A substitution at nucleotide position 3145. The valine at codon 1049 is replaced by methionine, an amino acid with highly similar properties. This amino acid position is conserved. In addition, this alteration is predicted to be tolerated by in silico analysis. Based on the available evidence, the clinical significance of this variant remains unclear.